The following is an entry in ClinVar:

ClinVar aggregate classification (germline): Uncertain significance (1 of 4 stars; one submission).

Submission:

Labcorp Genetics (formerly Invitae), Labcorp
Classification: Uncertain significance. Last evaluated: 2024-03-18. Review status: criteria provided, single submitter. Criteria: Invitae Variant Classification Sherloc (09022015). Collection method: clinical testing. Allele origin: germline.
Comment: This sequence change replaces glutamine, which is neutral and polar, with lysine, which is basic and polar, at codon 217 of the TBX6 protein (p.Gln217Lys). This variant is present in population databases (rs763796850, gnomAD 0.0009%). This variant has not been reported in the literature in individuals affected with TBX6-related conditions. Advanced modeling of protein sequence and biophysical properties (such as structural, functional, and spatial information, amino acid conservation, physicochemical variation, residue mobility, and thermodynamic stability) performed at Invitae indicates that this missense variant is not expected to disrupt TBX6 protein function with a negative predictive value of 80%. In summary, the available evidence is currently insufficient to determine the role of this variant in disease. Therefore, it has been classified as a Variant of Uncertain Significance.

NM_004608.4(TBX6):c.649C>A (p.Gln217Lys)

Gene: TBX6 (T-box transcription factor 6; minus strand). Cytogenetic location: 16p11.2.
Variant type: single nucleotide variant.
Coding change: c.649C>A on transcript NM_004608.4 (MANE Select); coding-DNA position 649, C replaced by A.
Protein change: p.Gln217Lys; replaces glutamine 217 with lysine.
Molecular consequence: missense variant.
Genome position (GRCh38, 1-based): chr16:30,088,812, G>T on the plus strand (C>A on the coding strand, the complement: TBX6 is on the minus strand). VCF-style: chr16-30088812-G-T. GRCh37 (hg19) VCF-style: chr16-30100133-G-T.
Other names: short protein forms Q217K.
Identifiers: ClinVar variation 3646670 (VCV003646670.2).